The following is an entry in ClinVar:

NM_005732.4(RAD50):c.674A>G (p.Asp225Gly)

Gene: RAD50 (RAD50 double strand break repair protein; plus strand). Cytogenetic location: 5q31.1.
Variant type: single nucleotide variant.
Coding change: c.674A>G on transcript NM_005732.4 (MANE Select); coding-DNA position 674, A replaced by G.
Protein change: p.Asp225Gly; replaces aspartic acid 225 with glycine.
Molecular consequence: missense variant.
Genome position (GRCh38, 1-based): chr5:132,579,984, A>G. VCF-style: chr5-132579984-A-G. GRCh37 (hg19) VCF-style: chr5-131915676-A-G.
Other names: short protein forms D225G.
Identifiers: ClinVar variation 826598 (VCV000826598.12), dbSNP rs1193687274, ClinGen allele CA360936364.

ClinVar aggregate classification (germline): Uncertain significance. Review status: criteria provided, multiple submitters, no conflicts (2 of 4 stars). 2 submissions from 2 submitters: Uncertain significance (2). Last evaluated 2022-01-23.

Conditions:
Hereditary cancer-predisposing syndrome. Also called: Neoplastic Syndromes, Hereditary; Tumor predisposition; Hereditary neoplastic syndrome; Hereditary Cancer Syndrome. Identifiers: Orphanet 140162, MedGen C0027672, MeSH D009386, MONDO:0015356.

Allele frequency attached by ClinVar (database versions not stated): gnomAD exomes below 0.00001.
gnomAD v4.1: 1 of 1,613,252 alleles (0.000062%); highest among the groups gnomAD compares: South Asian, 0.0011%; no homozygotes.

Submissions (2):

Labcorp Genetics (formerly Invitae), Labcorp
Classification: Uncertain significance for Hereditary cancer-predisposing syndrome. Last evaluated: 2022-01-23. Review status: criteria provided, single submitter. Criteria: Invitae Variant Classification Sherloc (09022015). Collection method: clinical testing. Allele origin: germline.
Comment: This sequence change replaces aspartic acid, which is acidic and polar, with glycine, which is neutral and non-polar, at codon 225 of the RAD50 protein (p.Asp225Gly). This variant is present in population databases (no rsID available, gnomAD 0.003%). This variant has not been reported in the literature in individuals affected with RAD50-related conditions. ClinVar contains an entry for this variant (Variation ID: 826598). Algorithms developed to predict the effect of missense changes on protein structure and function (SIFT, PolyPhen-2, Align-GVGD) all suggest that this variant is likely to be tolerated. Algorithms developed to predict the effect of sequence changes on RNA splicing suggest that this variant may create or strengthen a splice site. In summary, the available evidence is currently insufficient to determine the role of this variant in disease. Therefore, it has been classified as a Variant of Uncertain Significance.

Ambry Genetics
Classification: Uncertain significance for Hereditary cancer-predisposing syndrome. Last evaluated: 2019-07-22. Review status: criteria provided, single submitter. Criteria: Ambry Variant Classification Scheme 2023. Collection method: clinical testing. Allele origin: germline.
Comment: The p.D225G variant (also known as c.674A>G), located in coding exon 5 of the RAD50 gene, results from an A to G substitution at nucleotide position 674. The aspartic acid at codon 225 is replaced by glycine, an amino acid with similar properties. This amino acid position is highly conserved through mammals but not in all available vertebrate species. In addition, this alteration is predicted to be tolerated by in silico analysis. Since supporting evidence is limited at this time, the clinical significance of this alteration remains unclear.